The following is an entry in ClinVar:

NM_130384.3(ATRIP):c.1243G>A (p.Gly415Arg)

Genes: ATRIP (ATR interacting protein; plus strand), ATRIP-TREX1 (ATRIP-TREX1 readthrough; plus strand). Cytogenetic location: 3p21.31.
Variant type: single nucleotide variant.
Coding change: c.1243G>A on transcript NM_130384.3 (MANE Select); coding-DNA position 1243, G replaced by A.
Protein change: p.Gly415Arg; replaces glycine 415 with arginine.
Molecular consequence: missense variant. On other transcripts: non-coding transcript variant (1).
Genome position (GRCh38, 1-based): chr3:48,460,297, G>A. VCF-style: chr3-48460297-G-A. GRCh37 (hg19) VCF-style: chr3-48501696-G-A.
Other names: c.862G>A, p.Gly288Arg (NM_001271022.2); c.964G>A, p.Gly322Arg (NM_001271023.2); c.1243G>A, p.Gly415Arg (NM_032166.4); short protein forms G288R, G415R, G322R.
Identifiers: ClinVar variation 3809774 (VCV003809774.1).

ClinVar aggregate classification (germline): Uncertain significance (1 of 4 stars; one submission).

Submission:

Ambry Genetics
Classification: Uncertain significance. Last evaluated: 2025-01-13. Review status: criteria provided, single submitter. Criteria: Ambry Variant Classification Scheme 2023. Collection method: clinical testing. Allele origin: germline.
Comment: The p.G415R variant (also known as c.1243G>A), located in coding exon 8 of the ATRIP gene, results from a G to A substitution at nucleotide position 1243. The glycine at codon 415 is replaced by arginine, an amino acid with dissimilar properties. This amino acid position is conserved. In addition, the in silico prediction for this alteration is inconclusive. Based on the available evidence, the clinical significance of this variant remains unclear.